The following is an entry in ClinVar:

ClinVar aggregate classification (germline): Likely pathogenic. Review status: criteria provided, multiple submitters, no conflicts (2 of 4 stars). 4 submissions from 4 submitters: Likely pathogenic (4). Last evaluated 2025-09-02.

Conditions:
Autosomal dominant hypocalcemia. Identifiers: Orphanet 428, MedGen C4048195, MONDO:0018543.
CASR-related disorder. Also called: CASR-related condition.
Autosomal dominant hypocalcemia 1 (HYPOC1). Also called: HYPOCALCEMIA, FAMILIAL. Identifiers: MedGen C3715128, MONDO:0011013, OMIM 601198.
Familial hypocalciuric hypercalcemia (FHH). Also called: Familial benign hypercalcemia. Identifiers: Orphanet 405, MedGen C1809471, MONDO:0018458.

Submissions (4):

Labcorp Genetics (formerly Invitae), Labcorp
Classification: Likely pathogenic for Familial hypocalciuric hypercalcemia; Autosomal dominant hypocalcemia 1. Last evaluated: 2025-09-02. Review status: criteria provided, single submitter. Criteria: Invitae Variant Classification Sherloc (09022015). Collection method: clinical testing. Allele origin: germline.
Comment: This sequence change replaces methionine, which is neutral and non-polar, with valine, which is neutral and non-polar, at codon 811 of the CASR protein (p.Met811Val). This variant is not present in population databases (gnomAD no frequency). This missense change has been observed in individuals with autosomal dominant hypocalcemia (PMID: 21441391, 29375828; internal data). It has also been observed to segregate with disease in related individuals. ClinVar contains an entry for this variant (Variation ID: 381654). An algorithm developed to predict the effect of missense changes on protein structure and function (PolyPhen-2) suggests that this variant is likely to be disruptive. In summary, the currently available evidence indicates that the variant is pathogenic, but additional data are needed to prove that conclusively. Therefore, this variant has been classified as Likely Pathogenic.

Women's Health and Genetics/Laboratory Corporation of America, LabCorp
Classification: Likely pathogenic for Autosomal dominant hypocalcemia. Last evaluated: 2024-12-16. Review status: criteria provided, single submitter. Criteria: LabCorp Variant Classification Summary - May 2015. Collection method: clinical testing. Allele origin: germline.
Comment: Variant summary: CASR c.2431A>G (p.Met811Val) results in a conservative amino acid change located in the G-protein coupled receptors family 3 (IPR017978) of the encoded protein sequence. Four of five in-silico tools predict a damaging effect of the variant on protein function. The frequency data for this variant in gnomAD is considered unreliable, as metrics indicate poor data quality at this position. c.2431A>G has been reported in the literature in individuals affected with hypoparathyroidism (Schouten_2011, Schouten_2011, Klee_2021). These data indicate that the variant is likely to be associated with disease. To our knowledge, no experimental evidence demonstrating an impact on protein function has been reported. The following publications have been ascertained in the context of this evaluation (PMID: 29375828, 33144682, 21441391). ClinVar contains an entry for this variant (Variation ID: 381654). Based on the evidence outlined above, the variant was classified as likely pathogenic.

Blueprint Genetics
Classification: Likely pathogenic for CASR-related disorders. Last evaluated: 2024-11-12. Review status: criteria provided, single submitter. Criteria: ACMG Guidelines, 2015. Collection method: clinical testing. Allele origin: germline. Affected: yes. Observed: 1 variant allele.

GeneDx
Classification: Likely pathogenic. Last evaluated: 2017-04-05. Review status: criteria provided, single submitter. Criteria: GeneDx Variant Classification (06012015). Collection method: clinical testing. Allele origin: germline. Affected: yes.
Comment: The M811V variant in the CASR gene has been reported previously in an individual with epilepsy and hypocalcaemia; the variant was shown to segregate with the hypocalcaemic phenotype in three generations of affected individuals in this family, while unaffected family members were negative for the variant (Schouten et al., 2011). The M811V variant was not observed in approximately 6500 individuals of European and African American ancestry in the NHLBI Exome Sequencing Project, indicating it is not a common benign variant in these populations. The M811V variant is a conservative amino acid substitution, which occurs at a position that is conserved across species. In silico analysis predicts this variant is probably damaging to the protein structure/function. The M811V variant is a strong candidate for a pathogenic variant, however the possibility it may be a rare benign variant cannot be excluded.

Literature cited by the submitters: PubMed 21441391 (cited by Labcorp Genetics (formerly Invitae), Labcorp and Women's Health and Genetics/Laboratory Corporation of America, LabCorp); PubMed 29375828 (cited by Labcorp Genetics (formerly Invitae), Labcorp and Women's Health and Genetics/Laboratory Corporation of America, LabCorp); PubMed 33144682 (cited by Women's Health and Genetics/Laboratory Corporation of America, LabCorp).

NM_000388.4(CASR):c.2431A>G (p.Met811Val)

Gene: CASR (calcium sensing receptor; plus strand). Cytogenetic location: 3q21.1.
Variant type: single nucleotide variant.
Coding change: c.2431A>G on transcript NM_000388.4 (MANE Select); coding-DNA position 2431, A replaced by G.
Protein change: p.Met811Val; replaces methionine 811 with valine.
Molecular consequence: missense variant.
Genome position (GRCh38, 1-based): chr3:122,284,385, A>G. VCF-style: chr3-122284385-A-G. GRCh37 (hg19) VCF-style: chr3-122003232-A-G.
Other names: c.2461A>G, p.Met821Val (NM_001178065.2); short protein forms M811V, M821V.
Identifiers: ClinVar variation 381654 (VCV000381654.9), dbSNP rs1057521129, ClinGen allele CA16604354.
Genomic context (GRCh38, chr3:122,284,385, plus strand): 5'-GCCTTCAAGTCCCGGAAGCTGCCGGAGAACTTCAATGAAGCCAAGTTCATCACCTTCAGC[A>G]TGCTCATCTTCTTCATCGTCTGGATCTCCTTCATTCCAGCCTATGCCAGCACCTATGGCA-3'
Protein context (NP_000379.3, residues 801-821): FNEAKFITFS[Met811Val]LIFFIVWISF